The following is an entry in ClinVar:

ClinVar aggregate classification (germline): Uncertain significance (1 of 4 stars; one submission).

Conditions:
Hereditary cancer-predisposing syndrome. Also called: Neoplastic Syndromes, Hereditary; Tumor predisposition; Hereditary neoplastic syndrome; Hereditary Cancer Syndrome. Identifiers: Orphanet 140162, MedGen C0027672, MeSH D009386, MONDO:0015356.

Submission:

Ambry Genetics
Classification: Uncertain significance for Hereditary cancer-predisposing syndrome. Last evaluated: 2023-03-08. Review status: criteria provided, single submitter. Criteria: Ambry Variant Classification Scheme 2023. Collection method: clinical testing. Allele origin: germline.
Comment: The p.I1043T variant (also known as c.3128T>C), located in coding exon 19 of the DICER1 gene, results from a T to C substitution at nucleotide position 3128. The isoleucine at codon 1043 is replaced by threonine, an amino acid with similar properties. This amino acid position is conserved. In addition, the in silico prediction for this alteration is inconclusive. Since supporting evidence is limited at this time, the clinical significance of this alteration remains unclear.

NM_177438.3(DICER1):c.3128T>C (p.Ile1043Thr)

Gene: DICER1 (dicer 1, ribonuclease III; minus strand). Cytogenetic location: 14q32.13.
Variant type: single nucleotide variant.
Coding change: c.3128T>C on transcript NM_177438.3 (MANE Select); coding-DNA position 3128, T replaced by C.
Protein change: p.Ile1043Thr; replaces isoleucine 1043 with threonine.
Molecular consequence: missense variant. On other transcripts: non-coding transcript variant (6).
Genome position (GRCh38, 1-based): chr14:95,105,212, A>G on the plus strand (T>C on the coding strand, the complement: DICER1 is on the minus strand). VCF-style: chr14-95105212-A-G. GRCh37 (hg19) VCF-style: chr14-95571549-A-G.
Other names: c.3128T>C, p.Ile1043Thr (NM_001195573.1, NM_001271282.3, NM_001291628.2 and 13 more transcripts); c.2846T>C, p.Ile949Thr (NM_001395686.1); c.2723T>C, p.Ile908Thr (NM_001395687.1, NM_001395688.1, NM_001395689.1 and 2 more transcripts); c.2561T>C, p.Ile854Thr (NM_001395691.1); c.1445T>C, p.Ile482Thr (NM_001395697.1); short protein forms I908T, I949T, I1043T, I482T, I854T.
Identifiers: ClinVar variation 2451741 (VCV002451741.2), dbSNP rs2542756552, ClinGen allele CA390876846.